The following is an entry in ClinVar:

ClinVar aggregate classification (germline): Likely pathogenic (1 of 4 stars; one submission).

Conditions:
Oculocutaneous albinism type 6 (OCA6). Also called: Albinism, oculocutaneous, type VI. Identifiers: Orphanet 370097, MedGen C3805375, MONDO:0018264, OMIM 113750.

Submission:

Department of Clinical Genetics, Copenhagen University Hospital, Rigshospitalet
Classification: Likely pathogenic for Oculocutaneous albinism type 6. Last evaluated: 2025-05-23. Review status: criteria provided, single submitter. Criteria: ACMG Guidelines, 2015. Collection method: clinical testing. Allele origin: germline.
Comment: The following ACMG criteria has been used: PM2_sup, PM3, PP1, PP3_mod

Literature cited by the submitters: PubMed 32274888.

NM_205850.3(SLC24A5):c.328G>C (p.Gly110Arg)

Gene: SLC24A5 (solute carrier family 24 member 5; plus strand). Cytogenetic location: 15q21.1.
Variant type: single nucleotide variant.
Coding change: c.328G>C on transcript NM_205850.3 (MANE Select); coding-DNA position 328, G replaced by C.
Protein change: p.Gly110Arg; replaces glycine 110 with arginine.
Molecular consequence: missense variant.
Genome position (GRCh38, 1-based): chr15:48,134,284, G>C. VCF-style: chr15-48134284-G-C. GRCh37 (hg19) VCF-style: chr15-48426481-G-C.
Other names: short protein forms G110R.
Identifiers: ClinVar variation 4073705 (VCV004073705.1).
Genomic context (GRCh38, chr15:48,134,284, plus strand): 5'-TATTAGGCATAACAATCATTTCATTTATGTTCAGCCCTTGGATTGTCTCAGGATGTTGCA[G>C]GCACAACTTTCATGGCAGCGGGCAGTTCAGCTCCTGAATTAGTTACTGCTTTCCTAGGTA-3'
Protein context (NP_995322.1, residues 100-120): ESLGLSQDVA[Gly110Arg]TTFMAAGSSA